The following is an entry in ClinVar:

ClinVar aggregate classification (germline): Uncertain significance (1 of 4 stars; one submission).

Conditions:
Chuvash polycythemia. Also called: POLYCYTHEMIA, VHL-DEPENDENT. Identifiers: Orphanet 238557, MedGen C1837915, MONDO:0009892, OMIM 263400.
Von Hippel-Lindau syndrome (VHLS). Also called: Von Hippel-Lindau; von Hippel–Lindau syndrome; VHL syndrome. Identifiers: Orphanet 892, MedGen C0019562, MONDO:0008667, OMIM 193300. Disease mechanism: loss of function.

Submission:

Labcorp Genetics (formerly Invitae), Labcorp
Classification: Uncertain significance for Von Hippel-Lindau syndrome; Chuvash polycythemia. Last evaluated: 2021-08-24. Review status: criteria provided, single submitter. Criteria: Invitae Variant Classification Sherloc (09022015). Collection method: clinical testing. Allele origin: germline.
Comment: This sequence change falls in intron 1 of the VHL gene. It is not expected to change the encoded amino acid sequence of the VHL protein. However, this sequence change falls within a cryptic exon in the VHL gene, known as exon E1’, which is naturally expressed at low levels in several human tissues (PMID: 29891534). In summary, the available evidence is currently insufficient to determine the role of this variant in disease. Therefore, it has been classified as a Variant of Uncertain Significance. Experimental studies and prediction algorithms are not available or were not evaluated, and the functional significance of this variant is currently unknown. This variant has not been reported in the literature in individuals affected with VHL-related conditions. The frequency data for this variant in the population databases is considered unreliable, as metrics indicate insufficient coverage at this position in the ExAC database.

Literature cited by the submitters: PubMed 29891534.

NM_000551.4(VHL):c.340+790G>T

Genes: VHL (von Hippel-Lindau tumor suppressor; plus strand), LOC107303340 (3p25 von Hippel-Lindau tumor suppressor, E3 ubiquitin protein ligase Alu-mediated recombination region; plus strand). Cytogenetic location: 3p25.3.
Variant type: single nucleotide variant.
Coding change: c.340+790G>T on transcript NM_000551.4 (MANE Select); 790 bases into the intron after coding-DNA position 340, G replaced by T.
Molecular consequence: intron variant. On other transcripts: synonymous variant (1).
Genome position (GRCh38, 1-based): chr3:10,142,977, G>T. VCF-style: chr3-10142977-G-T. GRCh37 (hg19) VCF-style: chr3-10184661-G-T.
Other names: c.555G>T, p.Pro185= (NM_001354723.2); c.340+790G>T (NM_198156.3).
Identifiers: ClinVar variation 1371041 (VCV001371041.6), dbSNP rs527534541, ClinGen allele CA2573136141.